The following is an entry in ClinVar:

ClinVar aggregate classification (germline): Uncertain significance. Review status: criteria provided, multiple submitters, no conflicts (2 of 4 stars). 4 submissions from 4 submitters: Uncertain significance (3). 1 of the submissions does not count toward it. Last evaluated 2025-07-28.

Conditions:
Age related macular degeneration 9. Identifiers: MedGen C1969651, MONDO:0012659, OMIM 611378.
Complement component 3 deficiency. Identifiers: Orphanet 280133, MedGen C3151071, MONDO:0013417, OMIM 613779.
Atypical hemolytic-uremic syndrome with C3 anomaly. Also called: AHUS, SUSCEPTIBILITY TO, 5. Identifiers: Orphanet 2134, MedGen C2752037, MONDO:0013043, OMIM 612925.

Allele frequency attached by ClinVar (database versions not stated): gnomAD 0.00001 and 0.00009; TOPMed 0.00004; gnomAD exomes 0.00011 and 0.00026; ExAC 0.00029; 1000 Genomes Project 30x 0.00078; 1000 Genomes Project 0.00100.
gnomAD v4.1: 181 of 1,614,158 alleles (0.011%); highest among the groups gnomAD compares: South Asian, 0.17%; no homozygotes.

Submissions (4):

Labcorp Genetics (formerly Invitae), Labcorp
Classification: Uncertain significance. Last evaluated: 2025-07-28. Review status: criteria provided, single submitter. Criteria: Invitae Variant Classification Sherloc (09022015). Collection method: clinical testing. Allele origin: germline.
Comment: This sequence change replaces valine, which is neutral and non-polar, with isoleucine, which is neutral and non-polar, at codon 1252 of the C3 protein (p.Val1252Ile). This variant is present in population databases (rs537300095, gnomAD 0.2%). This variant has not been reported in the literature in individuals affected with C3-related conditions. ClinVar contains an entry for this variant (Variation ID: 1050379). Invitae Evidence Modeling of protein sequence and biophysical properties (such as structural, functional, and spatial information, amino acid conservation, physicochemical variation, residue mobility, and thermodynamic stability) indicates that this missense variant is not expected to disrupt C3 protein function with a negative predictive value of 80%. In summary, the available evidence is currently insufficient to determine the role of this variant in disease. Therefore, it has been classified as a Variant of Uncertain Significance.

Fulgent Genetics
Classification: Uncertain significance for Age related macular degeneration 9; Atypical hemolytic-uremic syndrome with C3 anomaly; Complement component 3 deficiency. Last evaluated: 2024-05-03. Review status: criteria provided, single submitter. Criteria: ACMG Guidelines, 2015. Collection method: clinical testing. Allele origin: germline.

Mayo Clinic Laboratories, Mayo Clinic
Classification: Uncertain significance. Last evaluated: 2024-01-09. Review status: criteria provided, single submitter. Criteria: ACMG Guidelines, 2015. Collection method: clinical testing. Allele origin: germline. Observed: 1 variant allele.
Comment: BP4, PP2

Department of Pathology and Laboratory Medicine, Sinai Health System
Classification: Uncertain significance. Review status: no assertion criteria provided. Collection method: clinical testing. Allele origin: unknown. Affected: yes. Study: The Canadian Open Genetics Repository (COGR). Not counted in ClinVar's aggregate classification.
Comment: The C3 p.V1252I variant was not identified in the literature nor was it identified in Clinvar. The variant was identified in dbSNP (ID: rs537300095) and in control databases in 65 of 251496 chromosomes at a frequency of 0.0002585, and was observed at the highest frequency in the South Asian population in 59 of 30616 chromosomes (freq: 0.001927) (Genome Aggregation Database March 6, 2019, v2.1.1). The p.V1252 residue is conserved in mammals however computational analyses (MUT Assesor, PolyPhen-2, SIFT, MutationTaster, Revel, FATHMM, MetaLR, DANN) do not suggest a high likelihood of impact to the protein; this information is not predictive enough to rule out pathogenicity. The variant occurs outside of the splicing consensus sequence and in silico or computational prediction software programs (Splice AI exome) do not predict a deleterious effect on splicing. In summary, based on the above information the clinical significance of this variant cannot be determined with certainty at this time. This variant is classified as a variant of uncertain significance.

NM_000064.4(C3):c.3754G>A (p.Val1252Ile)

Gene: C3 (complement C3; minus strand). Cytogenetic location: 19p13.3.
Variant type: single nucleotide variant.
Coding change: c.3754G>A on transcript NM_000064.4 (MANE Select); coding-DNA position 3754, G replaced by A.
Protein change: p.Val1252Ile; replaces valine 1252 with isoleucine.
Molecular consequence: missense variant.
Genome position (GRCh38, 1-based): chr19:6,686,180, C>T on the plus strand (G>A on the coding strand, the complement: C3 is on the minus strand). VCF-style: chr19-6686180-C-T. GRCh37 (hg19) VCF-style: chr19-6686191-C-T.
Other names: p.Val1252Ile; short protein forms V1252I.
Identifiers: ClinVar variation 1050379 (VCV001050379.10), dbSNP rs537300095, ClinGen allele CA9128645.